The following is an entry in ClinVar:

ClinVar aggregate classification (germline): Uncertain significance (1 of 4 stars; one submission).

Conditions:
Kabuki syndrome. Also called: NIIKAWA-KUROKI SYNDROME; Kabuki make-up syndrome. Identifiers: Orphanet 2322, MedGen C0796004, MONDO:0016512.

Allele frequency attached by ClinVar (database versions not stated): gnomAD exomes below 0.00001.
gnomAD v4.1: 5 of 1,594,290 alleles (0.00031%); highest among the groups gnomAD compares: Non-Finnish European, 0.00026%; no homozygotes.

Submission:

Labcorp Genetics (formerly Invitae), Labcorp
Classification: Uncertain significance for Kabuki syndrome. Last evaluated: 2025-02-04. Review status: criteria provided, single submitter. Criteria: Invitae Variant Classification Sherloc (09022015). Collection method: clinical testing. Allele origin: germline.
Comment: This sequence change replaces valine, which is neutral and non-polar, with isoleucine, which is neutral and non-polar, at codon 1340 of the KMT2D protein (p.Val1340Ile). This variant is not present in population databases (gnomAD no frequency). This variant has not been reported in the literature in individuals affected with KMT2D-related conditions. ClinVar contains an entry for this variant (Variation ID: 1481221). An algorithm developed to predict the effect of missense changes on protein structure and function (PolyPhen-2) suggests that this variant is likely to be disruptive. In summary, the available evidence is currently insufficient to determine the role of this variant in disease. Therefore, it has been classified as a Variant of Uncertain Significance.

NM_003482.4(KMT2D):c.4018G>A (p.Val1340Ile)

Genes: KMT2D (lysine methyltransferase 2D; minus strand), LOC126861520 (CDK7 strongly-dependent group 2 enhancer GRCh37_chr12:49442744-49443943; plus strand). Cytogenetic location: 12q13.12.
Variant type: single nucleotide variant.
Coding change: c.4018G>A on transcript NM_003482.4 (MANE Select); coding-DNA position 4018, G replaced by A.
Protein change: p.Val1340Ile; replaces valine 1340 with isoleucine.
Molecular consequence: missense variant.
Genome position (GRCh38, 1-based): chr12:49,049,107, C>T on the plus strand (G>A on the coding strand, the complement: KMT2D is on the minus strand). VCF-style: chr12-49049107-C-T. GRCh37 (hg19) VCF-style: chr12-49442890-C-T.
Other names: short protein forms V1340I.
Identifiers: ClinVar variation 1481221 (VCV001481221.8), dbSNP rs2120630156, ClinGen allele CA384651333.